The following is an entry in ClinVar:

ClinVar aggregate classification (germline): Pathogenic (1 of 4 stars; one submission).

Allele frequency attached by ClinVar (database versions not stated): TOPMed below 0.00001.
gnomAD v4.1: 2 of 1,613,604 alleles (0.00012%); highest among the groups gnomAD compares: Non-Finnish European, 0.00017%; no homozygotes.

Submission:

Labcorp Genetics (formerly Invitae), Labcorp
Classification: Pathogenic. Last evaluated: 2022-08-20. Review status: criteria provided, single submitter. Criteria: Invitae Variant Classification Sherloc (09022015). Collection method: clinical testing. Allele origin: germline.
Comment: For these reasons, this variant has been classified as Pathogenic. This premature translational stop signal has been observed in individual(s) with hereditary spastic paraplegia (PMID: 31876103). This variant is not present in population databases (gnomAD no frequency). This sequence change creates a premature translational stop signal (p.Arg3141*) in the VPS13D gene. It is expected to result in an absent or disrupted protein product. Loss-of-function variants in VPS13D are known to be pathogenic (PMID: 29518281).

Literature cited by the submitters: PubMed 31876103; PubMed 29518281.

NM_015378.4(VPS13D):c.9421C>T (p.Arg3141Ter)

Gene: VPS13D (vacuolar protein sorting 13 homolog D; plus strand). Cytogenetic location: 1p36.22.
Variant type: single nucleotide variant.
Coding change: c.9421C>T on transcript NM_015378.4 (MANE Select); coding-DNA position 9421, C replaced by T.
Protein change: p.Arg3141Ter; replaces arginine 3141 with a stop codon.
Molecular consequence: nonsense.
Genome position (GRCh38, 1-based): chr1:12,349,364, C>T. VCF-style: chr1-12349364-C-T. GRCh37 (hg19) VCF-style: chr1-12409421-C-T.
Other names: c.9346C>T, p.Arg3116Ter (NM_018156.4); short protein forms R3141*, R3116*.
Identifiers: ClinVar variation 1916160 (VCV001916160.5), dbSNP rs747718173, ClinGen allele CA338492757.
Genomic context (GRCh38, chr1:12,349,364, plus strand): 5'-AAGACTGCAGAAATTAGTAGCAGTAAACGAGAGTGCCACTCTATGGACACAGAAAAAAGC[C>T]GATTTTTCAGGTATGTAGCACCACTGCAGTGACATGTCACTTTTGCCTTTTTTTTTTCTT-3'